The following is an entry in ClinVar:

ClinVar aggregate classification (germline): Uncertain significance (1 of 4 stars; one submission).

Conditions:
Neurodevelopmental disorder. Identifiers: MedGen C1535926, MeSH D065886, MONDO:0700092.

Submission:

Broad Center for Mendelian Genomics, Broad Institute of MIT and Harvard
Classification: Uncertain significance for Neurodevelopmental disorder. Last evaluated: 2024-06-19. Review status: criteria provided, single submitter. Criteria: ACMG Guidelines, 2015. Collection method: curation. Allele origin: germline. Inheritance: Autosomal dominant inheritance. Study: GREGoR Consortium.
Comment: While this gene is still lacking sufficient evidence to establish a gene-disease relationship, we believe this is a possible novel gene candidate for neurodevelopmental disorders. Given the limited information about this gene-disease relationship, the significance of the p.Asp208Glu variant is uncertain. If you have any additional information about functional evidence or other individuals with this phenotype that also have variants in XRN1 we encourage you to reach out to us.

NM_001282857.2(XRN1):c.624C>A (p.Asp208Glu)

Gene: XRN1 (5'-3' exoribonuclease 1; minus strand). Cytogenetic location: 3q23.
Variant type: single nucleotide variant.
Coding change: c.624C>A on transcript NM_001282857.2 (MANE Select); coding-DNA position 624, C replaced by A.
Protein change: p.Asp208Glu; replaces aspartic acid 208 with glutamic acid.
Molecular consequence: missense variant.
Genome position (GRCh38, 1-based): chr3:142,425,225, G>T on the plus strand (C>A on the coding strand, the complement: XRN1 is on the minus strand). VCF-style: chr3-142425225-G-T. GRCh37 (hg19) VCF-style: chr3-142144067-G-T.
Other names: NM_001282859.2:c.624C>A; c.624C>A, p.Asp208Glu (NM_001282859.2, NM_019001.5); short protein forms D208E.
Identifiers: ClinVar variation 3252049 (VCV003252049.1), dbSNP rs2472867497.